The following is an entry in ClinVar:

NM_001365536.1(SCN9A):c.4575C>G (p.Ile1525Met)

Genes: SCN9A (sodium voltage-gated channel alpha subunit 9; minus strand), SCN1A-AS1 (SCN1A and SCN9A antisense RNA 1; plus strand). Cytogenetic location: 2q24.3.
Variant type: single nucleotide variant.
Coding change: c.4575C>G on transcript NM_001365536.1 (MANE Select); coding-DNA position 4575, C replaced by G.
Protein change: p.Ile1525Met; replaces isoleucine 1525 with methionine.
Molecular consequence: missense variant.
Genome position (GRCh38, 1-based): chr2:166,204,154, G>C on the plus strand (C>G on the coding strand, the complement: SCN9A is on the minus strand). VCF-style: chr2-166204154-G-C. GRCh37 (hg19) VCF-style: chr2-167060664-G-C.
Other names: c.4542C>G, p.Ile1514Met (NM_002977.4); short protein forms I1514M, I1525M.
Identifiers: ClinVar variation 1003274 (VCV001003274.9), dbSNP rs961831587, ClinGen allele CA59789056.

ClinVar aggregate classification (germline): Uncertain significance (1 of 4 stars; one submission).

Conditions:
Neuropathy, hereditary sensory and autonomic, type 2A (HSAN2A). Also called: HSAN IIA; MORVAN DISEASE; NEUROPATHY, CONGENITAL SENSORY; NEUROPATHY, HEREDITARY SENSORY RADICULAR, AUTOSOMAL RECESSIVE; NEUROPATHY, HEREDITARY SENSORY, TYPE IIA; NEUROPATHY, PROGRESSIVE SENSORY, OF CHILDREN. Identifiers: Orphanet 970, MedGen C2752089, MONDO:0024309, OMIM 201300.
Generalized epilepsy with febrile seizures plus, type 7 (GEFSP7). Also called: GEFS+, TYPE 7. Identifiers: Orphanet 36387, MedGen C2751778, MONDO:0013470, OMIM 613863.

Allele frequency attached by ClinVar (database versions not stated): gnomAD exomes below 0.00001; TOPMed below 0.00001.
gnomAD v4.1: 1 of 1,611,748 alleles (0.000062%); highest among the groups gnomAD compares: Non-Finnish European, 0.000085%; no homozygotes.

Submission:

Labcorp Genetics (formerly Invitae), Labcorp
Classification: Uncertain significance for Neuropathy, hereditary sensory and autonomic, type 2A; Generalized epilepsy with febrile seizures plus, type 7. Last evaluated: 2020-09-15. Review status: criteria provided, single submitter. Criteria: Invitae Variant Classification Sherloc (09022015). Collection method: clinical testing. Allele origin: germline.
Comment: In summary, the available evidence is currently insufficient to determine the role of this variant in disease. Therefore, it has been classified as a Variant of Uncertain Significance. Algorithms developed to predict the effect of missense changes on protein structure and function are either unavailable or do not agree on the potential impact of this missense change (SIFT: "Deleterious"; PolyPhen-2: "Probably Damaging"; Align-GVGD: "Class C0"). This variant has not been reported in the literature in individuals with SCN9A-related conditions. This variant is not present in population databases (ExAC no frequency). This sequence change replaces isoleucine with methionine at codon 1514 of the SCN9A protein (p.Ile1514Met). The isoleucine residue is highly conserved and there is a small physicochemical difference between isoleucine and methionine.